The following is an entry in ClinVar:

NM_000051.4(ATM):c.3486A>G (p.Leu1162=)

Gene: ATM (ATM serine/threonine kinase; plus strand). Cytogenetic location: 11q22.3.
Variant type: single nucleotide variant.
Coding change: c.3486A>G on transcript NM_000051.4 (MANE Select); coding-DNA position 3486, A replaced by G.
Protein change: p.Leu1162=; no amino-acid change (leucine 1162 retained).
Molecular consequence: synonymous variant.
Genome position (GRCh38, 1-based): chr11:108,281,078, A>G. VCF-style: chr11-108281078-A-G. GRCh37 (hg19) VCF-style: chr11-108151805-A-G.
Other names: c.3486A>G, p.Leu1162= (NM_001351834.2).
Identifiers: ClinVar variation 1731875 (VCV001731875.3), dbSNP rs2135667798, ClinGen allele CA476672868.

ClinVar aggregate classification (germline): Benign/Likely benign. Review status: criteria provided, multiple submitters, no conflicts (2 of 4 stars). 2 submissions from 2 submitters: Benign (1); Likely benign (1). Last evaluated 2024-05-14.

Conditions:
Hereditary cancer-predisposing syndrome. Also called: Neoplastic Syndromes, Hereditary; Tumor predisposition; Hereditary Cancer Syndrome; Hereditary neoplastic syndrome. Identifiers: Orphanet 140162, MedGen C0027672, MeSH D009386, MONDO:0015356.
Familial cancer of breast. Also called: BREAST CANCER, FAMILIAL; Hereditary breast cancer; hereditary breast carcinoma. Identifiers: Orphanet 227535, MedGen C0346153, MONDO:0016419, OMIM 114480. Disease mechanism: loss of function.

Submissions (2):

Myriad Genetics, Inc.
Classification: Benign for Familial cancer of breast. Last evaluated: 2024-05-14. Review status: criteria provided, single submitter. Criteria: Myriad Autosomal Dominant, Autosomal Recessive and X-Linked Classification Criteria (2023). Collection method: clinical testing. Allele origin: unknown.
Comment: This variant is considered benign. This variant is a silent/synonymous amino acid change and it is not expected to impact splicing.

Ambry Genetics
Classification: Likely benign for Hereditary cancer-predisposing syndrome. Last evaluated: 2021-10-11. Review status: criteria provided, single submitter. Criteria: Ambry Variant Classification Scheme 2023. Collection method: clinical testing. Allele origin: germline.